The following is an entry in ClinVar:

ClinVar aggregate classification (germline): Uncertain significance (1 of 4 stars; one submission).

Submission:

Labcorp Genetics (formerly Invitae), Labcorp
Classification: Uncertain significance. Last evaluated: 2025-10-09. Review status: criteria provided, single submitter. Criteria: Invitae Variant Classification Sherloc (09022015). Collection method: clinical testing. Allele origin: germline.
Comment: This sequence change replaces leucine, which is neutral and non-polar, with serine, which is neutral and polar, at codon 321 of the ATRIP protein (p.Leu321Ser). This variant is not present in population databases (gnomAD no frequency). This variant has not been reported in the literature in individuals affected with ATRIP-related conditions. ClinVar contains an entry for this variant (Variation ID: 2693709). An algorithm developed to predict the effect of missense changes on protein structure and function (PolyPhen-2) suggests that this variant is likely to be disruptive. In summary, the available evidence is currently insufficient to determine the role of this variant in disease. Therefore, it has been classified as a Variant of Uncertain Significance.

NM_130384.3(ATRIP):c.962T>C (p.Leu321Ser)

Genes: ATRIP (ATR interacting protein; plus strand), ATRIP-TREX1 (ATRIP-TREX1 readthrough; plus strand). Cytogenetic location: 3p21.31.
Variant type: single nucleotide variant.
Coding change: c.962T>C on transcript NM_130384.3 (MANE Select); coding-DNA position 962, T replaced by C.
Protein change: p.Leu321Ser; replaces leucine 321 with serine.
Molecular consequence: missense variant. On other transcripts: non-coding transcript variant (1).
Genome position (GRCh38, 1-based): chr3:48,459,823, T>C. VCF-style: chr3-48459823-T-C. GRCh37 (hg19) VCF-style: chr3-48501222-T-C.
Other names: c.581T>C, p.Leu194Ser (NM_001271022.2); c.683T>C, p.Leu228Ser (NM_001271023.2); c.962T>C, p.Leu321Ser (NM_032166.4); short protein forms L321S, L194S, L228S.
Identifiers: ClinVar variation 2693709 (VCV002693709.3), dbSNP rs2529984098, ClinGen allele CA352718894.
Genomic context (GRCh38, chr3:48,459,823, plus strand): 5'-CTAGAGTCATCTTGTCTTCTGCAGGTTCCATTTTGATAAACCTGCTCCTGAAGCAGCCTT[T>C]GATCCCAGGGTCATCCCTAAGCCTTTGCCACCTCCTGAGTAGTAGTTCTGAGTCTCCTGC-3'
Protein context (NP_569055.1, residues 311-331): ILINLLLKQP[Leu321Ser]IPGSSLSLCH